The following is an entry in ClinVar:

ClinVar aggregate classification (germline): Uncertain significance. Review status: criteria provided, multiple submitters, no conflicts (2 of 4 stars). 2 submissions from 2 submitters: Uncertain significance (2). Last evaluated 2025-03-17.

Conditions:
Hypertrophic cardiomyopathy 14. Identifiers: MedGen C2750467, MONDO:0013197, OMIM 613251.

Allele frequency attached by ClinVar (database versions not stated): ExAC 0.00002.

Submissions (2):

GeneDx
Classification: Uncertain significance. Last evaluated: 2025-03-17. Review status: criteria provided, single submitter. Criteria: GeneDx Variant Classification Process June 2021. Collection method: clinical testing. Allele origin: germline. Affected: yes.
Comment: Not observed at significant frequency in large population cohorts (gnomAD); Frameshift variant predicted to result in protein truncation or nonsense mediated decay in a gene or region of a gene for which loss of function is not a well-established mechanism of disease; Has not been previously published as pathogenic or benign to our knowledge

Labcorp Genetics (formerly Invitae), Labcorp
Classification: Uncertain significance for Hypertrophic cardiomyopathy 14. Last evaluated: 2022-03-18. Review status: criteria provided, single submitter. Criteria: Invitae Variant Classification Sherloc (09022015). Collection method: clinical testing. Allele origin: germline.
Comment: In summary, the available evidence is currently insufficient to determine the role of this variant in disease. Therefore, it has been classified as a Variant of Uncertain Significance. This variant has not been reported in the literature in individuals affected with MYH6-related conditions. This variant is present in population databases (rs774030874, gnomAD 0.01%). This sequence change creates a premature translational stop signal (p.Leu1683Alafs*4) in the MYH6 gene. It is expected to result in an absent or disrupted protein product. However, the current clinical and genetic evidence is not sufficient to establish whether loss-of-function variants in MYH6 cause disease.

NM_002471.4(MYH6):c.5046dup (p.Leu1683fs)

Genes: MYH6 (myosin heavy chain 6; minus strand), LOC126861896 (BRD4-independent group 4 enhancer GRCh37_chr14:23854904-23856103; plus strand). Cytogenetic location: 14q11.2.
Variant type: Duplication.
Coding change: c.5046dup on transcript NM_002471.4 (MANE Select); coding-DNA position 5046, one base duplicated (G; older notation c.5046dupG).
Protein change: p.Leu1683fs; shifts the reading frame from leucine 1683.
Molecular consequence: frameshift variant.
Genome position (GRCh38, 1-based): chr14:23,386,045, C duplicated on the plus strand (G on the coding strand, the reverse complement: MYH6 is on the minus strand). VCF-style (leftmost placement, unchanged base first): chr14-23386044-G-GC. GRCh37 (hg19) VCF-style: chr14-23855253-G-GC.
Other names: short protein forms L1683fs.
Identifiers: ClinVar variation 2074242 (VCV002074242.5), dbSNP rs774030874, ClinGen allele CA7114559.
Genomic context (GRCh38, chr14:23,386,044, plus strand): 5'-GCTTCCGGGACCGCTCTGTCTGCTCCACCACGGCACGCAGCTCCTCCAGCTCAGCCTGCA[G>GC]CAGGTTGTTGCGCCGCTCCACGATGGCGATGTTCTCCTTCAGGTCGTCGTTGGCACGGAC-3'